The following continues an entry in ClinVar:

NM_000179.3(MSH6):c.1474A>G (p.Met492Val)

Gene: MSH6. ClinVar aggregate classification (germline): Conflicting classifications of pathogenicity. Uncertain significance (8); Benign (1); Likely benign (5).

Submissions 12 to 15 of 15:

Women's Health and Genetics/Laboratory Corporation of America, LabCorp
Classification: Likely benign. Last evaluated: 2023-11-27. Review status: criteria provided, single submitter. Criteria: LabCorp Variant Classification Summary - May 2015. Collection method: clinical testing. Allele origin: germline.
Comment: Variant summary: MSH6 c.1474A>G (p.Met492Val) results in a conservative amino acid change located in the N-terminal domain (IPR007695) of the encoded protein sequence. Four of five in-silico tools predict a damaging effect of the variant on protein function. The variant allele was found at a frequency of 0.0001 in 1,607,050 control chromosomes, predominantly at a frequency of 0.00058 within the Finnish subpopulation in the gnomAD database (v4.0 dataset). The observed variant frequency within Finnish control individuals in the gnomAD database is approximately 4-fold of the estimated maximal expected allele frequency for a pathogenic variant in MSH6 causing Hereditary Nonpolyposis Colorectal Cancer phenotype (0.00014), strongly suggesting that the variant is a benign polymorphism. c.1474A>G has been reported in the literature in individuals affected with suspected Lynch Syndrome (e.g. Wagner_2003, Nilbert_2009, Okkels_2012, ), and ovarian cancer (Pal_2012), without strong evidence for causality (lacking co-segregation data), but was also found in controls (Dorling_2021). At least one publication reports experimental evidence evaluating an impact on protein function, and demonstrated in an in vitro assay that variant has similar MMR activity to the WT (Drost_2011). A recent analysis found no supportive evidence for a highly penetrant disease association for this variant (Pan_2023). The following publications have been ascertained in the context of this evaluation (PMID: 12658575, 18566915, 22102614, 23047549, 22495361, 33471991, 36793599). Ten other submitters have cited clinical-significance assessments for this variant to ClinVar after 2014, and classified the variant as VUS (n=8), or likely benign (n=8). Based on the evidence outlined above, the variant was classified as likely benign.

Institute for Clinical Genetics, University Hospital TU Dresden, University Hospital TU Dresden
Classification: Uncertain significance. Last evaluated: 2021-11-03. Review status: criteria provided, single submitter. Criteria: ACMG Guidelines, 2015. Collection method: clinical testing. Allele origin: germline.

Laboratory for Molecular Medicine, Mass General Brigham Personalized Medicine
Classification: Uncertain significance. Last evaluated: 2016-11-30. Review status: criteria provided, single submitter. Criteria: LMM Criteria. Collection method: clinical testing. Allele origin: germline. Observed: 1 variant allele.
Comment: The p.Met492Val variant in MSH6 has been reported in 4 individuals with Lynch sy ndrome-related cancers (Wagner 2003, Okkels 2012, Pal 2012). In vitro functional studies provide some evidence that the p.Met492Val variant may not impact prote in function (Drost 2012). However, these types of assays may not accurately repr esent biological function. This variant has been identified in 3/6610 Finnish ch romosomes by the Exome Aggregation Consortium (ExAC. org; dbSNP rs61754783). Computational prediction tools and conservation analysis do not provide strong support for or against an impact to the protein. In addit ion, this variant was classified as a Variant of Uncertain Significance on Sep 5 , 2013 by the ClinGen-approved InSiGHT expert panel (ClinVar SCV000107859.2). In summary, the clinical significance of the p.Met492Val variant is uncertain.

Department of Pathology and Laboratory Medicine, Sinai Health System
Classification: Uncertain significance for Carcinoma of colon. Review status: no assertion criteria provided. Collection method: clinical testing. Allele origin: unknown. Affected: yes. Observed: 1 variant allele. Study: The Canadian Open Genetics Repository (COGR). Not counted in ClinVar's aggregate classification.
Comment: The p.Met492Val variant was identified in 2 of 2234 proband chromosomes (frequency: 0.001) from families with Lynch syndrome (Nilbert 2009, Wagner 2003); however, control chromosomes were not evaluated in these studies, thus the prevalence of this variant in the general population could not be determined. The variant was also identified in dbSNP (ID: rs61754783) â€šÃ„ÃºWith Uncertain significance alleleâ€šÃ„Ã¹, HGMD, â€šÃ„ÃºMismatch Repair Genes Variant Databaseâ€šÃ„Ã¹, â€šÃ„ÃºInSiGHT Colon Cancer Databaseâ€šÃ„Ã¹, ClinVar database (classified as having uncertain significance by the InSiGHT expert review panel), and UMD (1X as an unclassified variant). An in vitro functional study by Drost (2011) demonstrated that the variant had similar mismatch repair efficiency to wild type MSH6, and an in silico study analyzing structural properties suggests that the variant has no impact on the MSH6 protein (Terui 2013).The p.Met492 residue is conserved in mammals but not across all lower organisms, and computational analyses (PolyPhen-2, SIFT, AlignGVGD, BLOSUM, MutationTaster) provide inconsistent predictions regarding the impact to the protein; this information is not very predictive of pathogenicity. In summary, based on the above information, the clinical significance of this variant cannot be determined with certainty at this time. This variant is classified as a variant of unknown significance.

Literature cited by the submitters: PubMed 22495361 (cited by 6 submitters); PubMed 22102614 (cited by 6 submitters); PubMed 28767289 (cited by 4 submitters); PubMed 36793599 (cited by Quest Diagnostics Nichols Institute San Juan Capistrano and Women's Health and Genetics/Laboratory Corporation of America, LabCorp); PubMed 32832836 (cited by Quest Diagnostics Nichols Institute San Juan Capistrano); PubMed 34445333 (cited by Quest Diagnostics Nichols Institute San Juan Capistrano); PubMed 35430768 (cited by Quest Diagnostics Nichols Institute San Juan Capistrano); PubMed 31391288 (cited by Quest Diagnostics Nichols Institute San Juan Capistrano); PubMed 31422818 (cited by Quest Diagnostics Nichols Institute San Juan Capistrano); PubMed 32849802 (cited by Quest Diagnostics Nichols Institute San Juan Capistrano); PubMed 33471991 (cited by Quest Diagnostics Nichols Institute San Juan Capistrano and Women's Health and Genetics/Laboratory Corporation of America, LabCorp); PubMed 23047549 (cited by 5 submitters); PubMed 18566915 (cited by 5 submitters); PubMed 12658575 (cited by 5 submitters); PubMed 27363726 (cited by Myriad Genetics, Inc.).